The following is an entry in ClinVar:

ClinVar aggregate classification (germline): Uncertain significance (1 of 4 stars; one submission).

Conditions:
DICER1-related tumor predisposition. Also called: DICER1 syndrome; DICER1-related pleuropulmonary blastoma cancer predisposition syndrome. Identifiers: Orphanet 284343, MedGen C3839822, MONDO:0100216.

Submission:

Labcorp Genetics (formerly Invitae), Labcorp
Classification: Uncertain significance for DICER1-related tumor predisposition. Last evaluated: 2022-03-02. Review status: criteria provided, single submitter. Criteria: Invitae Variant Classification Sherloc (09022015). Collection method: clinical testing. Allele origin: germline.
Comment: In summary, the available evidence is currently insufficient to determine the role of this variant in disease. Therefore, it has been classified as a Variant of Uncertain Significance. This variant has not been reported in the literature in individuals affected with DICER1-related conditions. This variant is not present in population databases (gnomAD no frequency). This sequence change results in a frameshift in the DICER1 gene (p.Lys1901Asnfs*27). While this is not anticipated to result in nonsense mediated decay, it is expected to disrupt the last 22 amino acid(s) of the DICER1 protein and extend the protein by 4 additional amino acid residues.

NM_177438.3(DICER1):c.5703del (p.Lys1901fs)

Gene: DICER1 (dicer 1, ribonuclease III; minus strand). Cytogenetic location: 14q32.13.
Variant type: Deletion.
Coding change: c.5703del on transcript NM_177438.3 (MANE Select); coding-DNA position 5703, one base deleted (A; older notation c.5703delA).
Protein change: p.Lys1901fs; shifts the reading frame from lysine 1901.
Molecular consequence: frameshift variant. On other transcripts: non-coding transcript variant (6), 3 prime UTR variant (1).
Genome position (GRCh38, 1-based): chr14:95,090,564, T deleted on the plus strand (A on the coding strand, the reverse complement: DICER1 is on the minus strand); the first of 3 consecutive T bases (chr14:95,090,564-95,090,566); deleting any one gives the same sequence. VCF-style (leftmost placement, unchanged base first): chr14-95090563-AT-A. GRCh37 (hg19) VCF-style: chr14-95556900-AT-A.
Other names: c.5703del, p.Lys1901fs (NM_001291628.2, NM_001395677.1, NM_001395678.1 and 7 more transcripts); c.5701delA, p.Lys1901Asnfs (NM_001395681.1); c.5421del, p.Lys1807fs (NM_001395686.1); c.5298del, p.Lys1766fs (NM_001395687.1, NM_001395688.1, NM_001395689.1 and 1 more transcripts); c.5136del, p.Lys1712fs (NM_001395691.1); c.4020del, p.Lys1340fs (NM_001395697.1); c.*50del (NM_001195573.1); short protein forms K1712fs, K1340fs, K1766fs, K1807fs, K1901fs.
Identifiers: ClinVar variation 2105723 (VCV002105723.4), dbSNP rs2542390594, ClinGen allele CA2580088958.